The following is an entry in ClinVar:

ClinVar aggregate classification (germline): Uncertain significance. Review status: criteria provided, multiple submitters, no conflicts (2 of 4 stars). 2 submissions from 2 submitters: Uncertain significance (2). Last evaluated 2025-03-30.

Conditions:
Inborn genetic diseases. Identifiers: MedGen C0950123, MeSH D030342.

Allele frequency attached by ClinVar (database versions not stated): gnomAD exomes below 0.00001; ExAC 0.00001; TOPMed 0.00001.
gnomAD v4.1: 2 of 1,613,996 alleles (0.00012%); highest among the groups gnomAD compares: Admixed American, 0.0033%; no homozygotes.

Submissions (2):

Ambry Genetics
Classification: Uncertain significance for Inborn genetic diseases. Last evaluated: 2025-03-30. Review status: criteria provided, single submitter. Criteria: Ambry Variant Classification Scheme 2023. Collection method: clinical testing. Allele origin: germline.
Comment: The p.Y1477H variant (also known as c.4429T>C), located in coding exon 1 of the SAMD9L gene, results from a T to C substitution at nucleotide position 4429. The tyrosine at codon 1477 is replaced by histidine, an amino acid with similar properties. This amino acid position is conserved. In addition, this alteration is predicted to be tolerated by in silico analysis. Based on the available evidence, the clinical significance of this variant remains unclear.

Labcorp Genetics (formerly Invitae), Labcorp
Classification: Uncertain significance. Last evaluated: 2023-03-14. Review status: criteria provided, single submitter. Criteria: Invitae Variant Classification Sherloc (09022015). Collection method: clinical testing. Allele origin: germline.
Comment: This variant is present in population databases (rs756342171, gnomAD 0.009%). This variant has not been reported in the literature in individuals affected with SAMD9L-related conditions. Advanced modeling of protein sequence and biophysical properties (such as structural, functional, and spatial information, amino acid conservation, physicochemical variation, residue mobility, and thermodynamic stability) performed at Invitae indicates that this missense variant is expected to disrupt SAMD9L protein function. In summary, the available evidence is currently insufficient to determine the role of this variant in disease. Therefore, it has been classified as a Variant of Uncertain Significance. This sequence change replaces tyrosine, which is neutral and polar, with histidine, which is basic and polar, at codon 1477 of the SAMD9L protein (p.Tyr1477His).

NM_152703.5(SAMD9L):c.4429T>C (p.Tyr1477His)

Gene: SAMD9L (sterile alpha motif domain containing 9 like; minus strand). Cytogenetic location: 7q21.2.
Variant type: single nucleotide variant.
Coding change: c.4429T>C on transcript NM_152703.5 (MANE Select); coding-DNA position 4429, T replaced by C.
Protein change: p.Tyr1477His; replaces tyrosine 1477 with histidine.
Molecular consequence: missense variant.
Genome position (GRCh38, 1-based): chr7:93,131,543, A>G on the plus strand (T>C on the coding strand, the complement: SAMD9L is on the minus strand). VCF-style: chr7-93131543-A-G. GRCh37 (hg19) VCF-style: chr7-92760856-A-G.
Other names: c.4429T>C, p.Tyr1477His (NM_001303496.3, NM_001303497.3, NM_001303498.3 and 5 more transcripts); c.4429T>C (NM_152703.2); short protein forms Y1477H.
Identifiers: ClinVar variation 2872056 (VCV002872056.4), dbSNP rs756342171, ClinGen allele CA4343302.